The following is an entry in ClinVar:

NM_013327.5(PARVB):c.984C>T (p.Asp328=)

Gene: PARVB (parvin beta; plus strand). Cytogenetic location: 22q13.31.
Variant type: single nucleotide variant.
Coding change: c.984C>T on transcript NM_013327.5 (MANE Select); coding-DNA position 984, C replaced by T.
Protein change: p.Asp328=; no amino-acid change (aspartic acid 328 retained).
Molecular consequence: synonymous variant.
Genome position (GRCh38, 1-based): chr22:44,163,896, C>T. VCF-style: chr22-44163896-C-T. GRCh37 (hg19) VCF-style: chr22-44559776-C-T.
Other names: c.1083C>T, p.Asp361= (NM_001003828.3); c.873C>T, p.Asp291= (NM_001243385.2); c.759C>T, p.Asp253= (NM_001243386.2).
Identifiers: ClinVar variation 2653274 (VCV002653274.24), dbSNP rs146183248, ClinGen allele CA10279545.

ClinVar aggregate classification (germline): Likely benign (1 of 4 stars; one submission).

Allele frequency attached by ClinVar (database versions not stated): ExAC 0.00012; 1000 Genomes Project 30x 0.00016; 1000 Genomes Project 0.00020; ESP Exome Variant Server 0.00038; gnomAD 0.00040; TOPMed 0.00040.
gnomAD v4.1: 438 of 1,611,246 alleles (0.027%); highest among the groups gnomAD compares: Middle Eastern, 0.43%; 4 homozygotes.

Submission:

CeGaT Center for Human Genetics Tuebingen
Classification: Likely benign. Last evaluated: 2022-11-01. Review status: criteria provided, single submitter. Criteria: CeGaT Center For Human Genetics Tuebingen Variant Classification Criteria Version 2. Collection method: clinical testing. Allele origin: germline. Affected: yes. Observed: 1 variant allele.
Comment: PARVB: BP4, BP7